The following is an entry in ClinVar:

ClinVar aggregate classification (germline): Pathogenic. Review status: criteria provided, multiple submitters, no conflicts (2 of 4 stars). 2 submissions from 2 submitters: Pathogenic (2). Last evaluated 2026-01-13.

Conditions:
Neurofibromatosis, type 1 (NF1). Also called: Peripheral type neurofibromatosis; VON RECKLINGHAUSEN DISEASE; NEUROFIBROMATOSIS, TYPE I, SOMATIC; Neurofibromatosis, type I. Identifiers: Orphanet 636, MedGen C0027831, MONDO:0018975, OMIM 162200. Disease mechanism: loss of function.
Juvenile myelomonocytic leukemia (JMML). Also called: LEUKEMIA, JUVENILE MYELOMONOCYTIC, SOMATIC. Identifiers: Orphanet 86834, MedGen C0349639, MONDO:0011908, OMIM 607785, HP:0012209.

Submissions (2):

Labcorp Genetics (formerly Invitae), Labcorp
Classification: Pathogenic for Neurofibromatosis, type 1. Last evaluated: 2026-01-13. Review status: criteria provided, single submitter. Criteria: Invitae Variant Classification Sherloc (09022015). Collection method: clinical testing. Allele origin: germline.
Comment: This sequence change affects a donor splice site in intron 42 of the NF1 gene. RNA analysis indicates that disruption of this splice site induces altered splicing and may result in an absent or altered protein product. This variant is not present in population databases (gnomAD no frequency). Disruption of this splice site has been observed in individual(s) with clinical features of neurofibromatosis type 1 and/or neurofibromatosis type I (PMID: 16835897, 30124220, 31370276, 32873259). In at least one individual the variant was observed to be de novo. Invitae Evidence Modeling of clinical and family history, age, sex, and reported ancestry of multiple individuals with this NF1 variant has been performed. This variant is expected to be pathogenic with a positive predictive value of at least 99%. This is a validated machine learning model that incorporates the clinical features of 1,785,918 individuals referred to our laboratory for NF1 testing. ClinVar contains an entry for this variant (Variation ID: 959944). Studies have shown that disruption of this splice site results in skipping of exon 42, and produces a non-functional protein and/or introduces a premature termination codon (PMID: 31370276). For these reasons, this variant has been classified as Pathogenic.

Baylor Genetics
Classification: Pathogenic for Juvenile myelomonocytic leukemia. Last evaluated: 2023-11-04. Review status: criteria provided, single submitter. Criteria: ACMG Guidelines, 2015. Collection method: clinical testing. Allele origin: unknown.

Literature cited by the submitters: PubMed 16835897 (cited by Labcorp Genetics (formerly Invitae), Labcorp); PubMed 30124220 (cited by Labcorp Genetics (formerly Invitae), Labcorp); PubMed 31370276 (cited by Labcorp Genetics (formerly Invitae), Labcorp); PubMed 32873259 (cited by Labcorp Genetics (formerly Invitae), Labcorp).

NM_001042492.3(NF1):c.6642+2T>C

Gene: NF1 (neurofibromin 1; plus strand). Cytogenetic location: 17q11.2.
Variant type: single nucleotide variant.
Coding change: c.6642+2T>C on transcript NM_001042492.3 (MANE Select); the canonical splice donor site of the intron after coding-DNA position 6642, T replaced by C.
Molecular consequence: splice donor variant.
Genome position (GRCh38, 1-based): chr17:31,337,584, T>C. VCF-style: chr17-31337584-T-C. GRCh37 (hg19) VCF-style: chr17-29664602-T-C.
Other names: c.6579+2T>C (NM_000267.4).
Identifiers: ClinVar variation 959944 (VCV000959944.8), dbSNP rs2069709336, ClinGen allele CA399013604.